The following is an entry in ClinVar:

NM_000038.6(APC):c.4531C>T (p.Leu1511Phe)

Gene: APC (APC regulator of Wnt signaling pathway; plus strand). Cytogenetic location: 5q22.2.
Variant type: single nucleotide variant.
Coding change: c.4531C>T on transcript NM_000038.6 (MANE Select); coding-DNA position 4531, C replaced by T.
Protein change: p.Leu1511Phe; replaces leucine 1511 with phenylalanine.
Molecular consequence: missense variant.
Genome position (GRCh38, 1-based): chr5:112,840,125, C>T. VCF-style: chr5-112840125-C-T. GRCh37 (hg19) VCF-style: chr5-112175822-C-T.
Other names: c.4531C>T, p.Leu1511Phe (NM_001127510.3, NM_001354895.2); c.4477C>T, p.Leu1493Phe (NM_001127511.3); c.4585C>T, p.Leu1529Phe (NM_001354896.2); c.4561C>T, p.Leu1521Phe (NM_001354897.2); c.4456C>T, p.Leu1486Phe (NM_001354898.2); c.4447C>T, p.Leu1483Phe (NM_001354899.2); c.4408C>T, p.Leu1470Phe (NM_001354900.2); c.4354C>T, p.Leu1452Phe (NM_001354901.2); and 5 more; short protein forms L1410F, L1420F, L1493F, L1511F, L1521F, L1385F, L1483F, L1486F.
Identifiers: ClinVar variation 940859 (VCV000940859.15), dbSNP rs749224104, ClinGen allele CA16031245.

ClinVar aggregate classification (germline): Uncertain significance. Review status: criteria provided, multiple submitters, no conflicts (2 of 4 stars). 3 submissions from 3 submitters: Uncertain significance (3). Last evaluated 2025-08-30.

Conditions:
Classic or attenuated familial adenomatous polyposis. Identifiers: MedGen CN372698, MONDO:0021057.
Familial adenomatous polyposis 1 (FAP1). Also called: FAMILIAL ADENOMATOUS POLYPOSIS 1, ATTENUATED; POLYPOSIS, ADENOMATOUS INTESTINAL. Identifiers: MedGen C2713442, MONDO:0021056, OMIM 175100. Disease mechanism: loss of function.
Hereditary cancer-predisposing syndrome. Also called: Hereditary neoplastic syndrome; Neoplastic Syndromes, Hereditary; Tumor predisposition; Hereditary Cancer Syndrome. Identifiers: Orphanet 140162, MedGen C0027672, MeSH D009386, MONDO:0015356.

Allele frequency attached by ClinVar (database versions not stated): gnomAD exomes 0.00001.
gnomAD v4.1: 7 of 1,614,082 alleles (0.00043%); highest among the groups gnomAD compares: Non-Finnish European, 0.00059%; no homozygotes.

Submissions (3):

Labcorp Genetics (formerly Invitae), Labcorp
Classification: Uncertain significance for Familial adenomatous polyposis 1. Last evaluated: 2025-08-30. Review status: criteria provided, single submitter. Criteria: Invitae Variant Classification Sherloc (09022015). Collection method: clinical testing. Allele origin: germline.
Comment: This sequence change replaces leucine, which is neutral and non-polar, with phenylalanine, which is neutral and non-polar, at codon 1511 of the APC protein (p.Leu1511Phe). This variant is not present in population databases (gnomAD no frequency). This variant has not been reported in the literature in individuals affected with APC-related conditions. ClinVar contains an entry for this variant (Variation ID: 940859). Invitae Evidence Modeling of protein sequence and biophysical properties (such as structural, functional, and spatial information, amino acid conservation, physicochemical variation, residue mobility, and thermodynamic stability) indicates that this missense variant is not expected to disrupt APC protein function with a negative predictive value of 95%. In summary, the available evidence is currently insufficient to determine the role of this variant in disease. Therefore, it has been classified as a Variant of Uncertain Significance.

Ambry Genetics
Classification: Uncertain significance for Hereditary cancer-predisposing syndrome. Last evaluated: 2024-06-27. Review status: criteria provided, single submitter. Criteria: Ambry Variant Classification Scheme 2023. Collection method: clinical testing. Allele origin: germline.
Comment: The p.L1511F variant (also known as c.4531C>T), located in coding exon 15 of the APC gene, results from a C to T substitution at nucleotide position 4531. The leucine at codon 1511 is replaced by phenylalanine, an amino acid with highly similar properties. This amino acid position is well conserved in available vertebrate species. In addition, in silico predictors for this gene do not accurately predict pathogenicity. Since supporting evidence is limited at this time, the clinical significance of this alteration remains unclear.

All of Us Research Program, National Institutes of Health
Classification: Uncertain significance for Classic or attenuated familial adenomatous polyposis. Last evaluated: 2023-03-04. Review status: criteria provided, single submitter. Criteria: ACMG Guidelines, 2015. Collection method: clinical testing. Allele origin: germline. Inheritance: Autosomal dominant inheritance. Observed: 1 variant allele, 1 heterozygote.
Comment: This study involves interpretation of variants in research participants for the purpose of population health screening. Participant phenotype was not available at the time of variant classification. Additional details can be found in publication PMID: 35346344, PMCID: PMC8962531